The following is an entry in ClinVar:

ClinVar aggregate classification (germline): Pathogenic/Likely pathogenic. Review status: criteria provided, multiple submitters, no conflicts (2 of 4 stars). 3 submissions from 3 submitters: Pathogenic (1); Likely pathogenic (1). 1 of the submissions does not count toward it. Last evaluated 2024-09-08.

Conditions:
Mucolipidosis type IV (ML4). Also called: ML IV. Identifiers: Orphanet 578, MedGen C0238286, MONDO:0009653, OMIM 252650.

Submissions (3):

Natera, Inc.
Classification: Likely pathogenic for Mucolipidosis type IV. Last evaluated: 2024-09-08. Review status: criteria provided, single submitter. Criteria: Natera Variant Classification Schema (03/2026). Collection method: clinical testing. Allele origin: germline.
Comment: The c.54dup variant in MCOLN1 is a frameshift variant predicted to shift the reading frame beginning at codon 19 and leads to a stop codon 69 codons downstream. This variant is expected to result in nonsense mediated decay, truncation, or a dysfunctional protein product. This variant is rare in the general population with a frequency below the threshold expected for the associated phenotype(s). Given the available evidence, this variant is classified as Likely Pathogenic.

Labcorp Genetics (formerly Invitae), Labcorp
Classification: Pathogenic for Mucolipidosis type IV. Last evaluated: 2023-06-16. Review status: criteria provided, single submitter. Criteria: Invitae Variant Classification Sherloc (09022015). Collection method: clinical testing. Allele origin: germline.
Comment: ClinVar contains an entry for this variant (Variation ID: 370580). For these reasons, this variant has been classified as Pathogenic. This variant has not been reported in the literature in individuals affected with MCOLN1-related conditions. This sequence change creates a premature translational stop signal (p.Asn19Glnfs*69) in the MCOLN1 gene. It is expected to result in an absent or disrupted protein product. Loss-of-function variants in MCOLN1 are known to be pathogenic (PMID: 11030752, 11317355). This variant is not present in population databases (gnomAD no frequency).

Counsyl
Classification: Likely pathogenic for Mucolipidosis type IV. Last evaluated: 2016-03-03. Review status: no assertion criteria provided. Collection method: clinical testing. Allele origin: unknown. Not counted in ClinVar's aggregate classification.

Literature cited by the submitters: PubMed 11030752 (cited by Labcorp Genetics (formerly Invitae), Labcorp); PubMed 11317355 (cited by Labcorp Genetics (formerly Invitae), Labcorp).

NM_020533.3(MCOLN1):c.54dup (p.Asn19fs)

Gene: MCOLN1 (mucolipin TRP cation channel 1; plus strand). Cytogenetic location: 19p13.2.
Variant type: Duplication.
Coding change: c.54dup on transcript NM_020533.3 (MANE Select); coding-DNA position 54, one base duplicated (C; older notation c.54dupC).
Protein change: p.Asn19fs; shifts the reading frame from asparagine 19.
Molecular consequence: frameshift variant.
Genome position (GRCh38, 1-based): chr19:7,524,983, C duplicated; the last of 5 consecutive C bases (chr19:7,524,979-7,524,983); duplicating any one gives the same sequence. VCF-style (leftmost placement, unchanged base first): chr19-7524978-A-AC. GRCh37 (hg19) VCF-style: chr19-7589864-A-AC.
Other names: c.54dup (NM_020533.2); c.54dupC (NM_020533.2); short protein forms N19fs.
Identifiers: ClinVar variation 370580 (VCV000370580.8), dbSNP rs1057516602, ClinGen allele CA16041987.